The following is an entry in ClinVar:

ClinVar aggregate classification (germline): Uncertain significance. Review status: criteria provided, multiple submitters, no conflicts (2 of 4 stars). 2 submissions from 2 submitters: Uncertain significance (2). Last evaluated 2025-03-07.

Allele frequency attached by ClinVar (database versions not stated): ExAC 0.00001; gnomAD 0.00001; gnomAD exomes 0.00001; TOPMed 0.00002.
gnomAD v4.1: 13 of 1,613,364 alleles (0.00081%); highest among the groups gnomAD compares: East Asian, 0.0022%; no homozygotes.

Submissions (2):

Ambry Genetics
Classification: Uncertain significance. Last evaluated: 2025-03-07. Review status: criteria provided, single submitter. Criteria: Ambry Variant Classification Scheme 2023. Collection method: clinical testing. Allele origin: germline.
Comment: The p.G444R variant (also known as c.1330G>A), located in coding exon 8 of the ATRIP gene, results from a G to A substitution at nucleotide position 1330. The glycine at codon 444 is replaced by arginine, an amino acid with dissimilar properties. This amino acid position is conserved. In addition, this alteration is predicted to be tolerated by in silico analysis. Based on the available evidence, the clinical significance of this variant remains unclear.

Labcorp Genetics (formerly Invitae), Labcorp
Classification: Uncertain significance. Last evaluated: 2024-11-18. Review status: criteria provided, single submitter. Criteria: Invitae Variant Classification Sherloc (09022015). Collection method: clinical testing. Allele origin: germline.
Comment: This sequence change replaces glycine, which is neutral and non-polar, with arginine, which is basic and polar, at codon 444 of the ATRIP protein (p.Gly444Arg). This variant is present in population databases (rs750810901, gnomAD 0.006%). This variant has not been reported in the literature in individuals affected with ATRIP-related conditions. ClinVar contains an entry for this variant (Variation ID: 2720313). An algorithm developed to predict the effect of missense changes on protein structure and function (PolyPhen-2) suggests that this variant is likely to be disruptive. In summary, the available evidence is currently insufficient to determine the role of this variant in disease. Therefore, it has been classified as a Variant of Uncertain Significance.

NM_130384.3(ATRIP):c.1330G>A (p.Gly444Arg)

Genes: ATRIP (ATR interacting protein; plus strand), ATRIP-TREX1 (ATRIP-TREX1 readthrough; plus strand). Cytogenetic location: 3p21.31.
Variant type: single nucleotide variant.
Coding change: c.1330G>A on transcript NM_130384.3 (MANE Select); coding-DNA position 1330, G replaced by A.
Protein change: p.Gly444Arg; replaces glycine 444 with arginine.
Molecular consequence: missense variant. On other transcripts: non-coding transcript variant (1).
Genome position (GRCh38, 1-based): chr3:48,460,384, G>A. VCF-style: chr3-48460384-G-A. GRCh37 (hg19) VCF-style: chr3-48501783-G-A.
Other names: c.1330G>A (NM_130384.1); c.949G>A, p.Gly317Arg (NM_001271022.2); c.1051G>A, p.Gly351Arg (NM_001271023.2); c.1330G>A, p.Gly444Arg (NM_032166.4); short protein forms G444R, G317R, G351R.
Identifiers: ClinVar variation 2720313 (VCV002720313.4), dbSNP rs750810901, ClinGen allele CA2376184.